The following is an entry in ClinVar:

ClinVar aggregate classification (germline): Uncertain significance (1 of 4 stars; one submission).

Conditions:
Inborn genetic diseases. Identifiers: MedGen C0950123, MeSH D030342.

Submission:

Ambry Genetics
Classification: Uncertain significance for Inborn genetic diseases. Last evaluated: 2026-02-16. Review status: criteria provided, single submitter. Criteria: Ambry Variant Classification Scheme 2023. Collection method: clinical testing. Allele origin: germline.
Comment: The p.E128D variant (also known as c.384A>T), located in coding exon 4 of the CEP57 gene, results from an A to T substitution at nucleotide position 384. The glutamic acid at codon 128 is replaced by aspartic acid, an amino acid with highly similar properties. This amino acid position is conserved. In addition, the in silico prediction for this alteration is inconclusive. Based on the available evidence, the clinical significance of this variant remains unclear.

NM_014679.5(CEP57):c.384A>T (p.Glu128Asp)

Gene: CEP57 (centrosomal protein 57; plus strand). Cytogenetic location: 11q21.
Variant type: single nucleotide variant.
Coding change: c.384A>T on transcript NM_014679.5 (MANE Select); coding-DNA position 384, A replaced by T.
Protein change: p.Glu128Asp; replaces glutamic acid 128 with aspartic acid.
Molecular consequence: missense variant.
Genome position (GRCh38, 1-based): chr11:95,813,469, A>T. VCF-style: chr11-95813469-A-T. GRCh37 (hg19) VCF-style: chr11-95546633-A-T.
Other names: c.357A>T, p.Glu119Asp (NM_001243776.2); c.384A>T, p.Glu128Asp (NM_001243777.2, NM_001440871.1, NM_001440872.1 and 4 more transcripts); c.303A>T, p.Glu101Asp (NM_001363604.2, NM_001440869.1, NM_001440870.1 and 3 more transcripts); c.204A>T, p.Glu68Asp (NM_001440873.1, NM_001440881.1); c.123A>T, p.Glu41Asp (NM_001440880.1); short protein forms E119D, E128D, E68D, E101D, E41D.
Identifiers: ClinVar variation 4845105 (VCV004845105.1).
Genomic context (GRCh38, chr11:95,813,469, plus strand): 5'-CTTGTTAAAACTATTTTATGGGTGAGTTGATTTCTGCTTTTCTTATGTATTCTTTTTAGA[A>T]CTGACATCTCAGTTGTTAGCTGCAGAAAATAAATGCAATCTATTAGAAAAACAATTGGAA-3'
Protein context (NP_055494.2, residues 118-138): SKNEESKHNQ[Glu128Asp]LTSQLLAAEN